The following is an entry in ClinVar:

NM_017534.6(MYH2):c.2203G>A (p.Ala735Thr)

Genes: MYHAS (myosin heavy chain gene cluster antisense RNA; plus strand), MYH2 (myosin heavy chain 2; minus strand). Cytogenetic location: 17p13.1.
Variant type: single nucleotide variant.
Coding change: c.2203G>A on transcript NM_017534.6 (MANE Select); coding-DNA position 2203, G replaced by A.
Protein change: p.Ala735Thr; replaces alanine 735 with threonine.
Molecular consequence: missense variant.
Genome position (GRCh38, 1-based): chr17:10,533,610, C>T on the plus strand (G>A on the coding strand, the complement: MYH2 is on the minus strand). VCF-style: chr17-10533610-C-T. GRCh37 (hg19) VCF-style: chr17-10436927-C-T.
Other names: c.2203G>A, p.Ala735Thr (NM_001100112.2); short protein forms A735T.
Identifiers: ClinVar variation 4705328 (VCV004705328.1).

ClinVar aggregate classification (germline): Uncertain significance (1 of 4 stars; one submission).

Conditions:
Myopathy, proximal, and ophthalmoplegia (CMYO6). Also called: CONGENITAL MYOPATHY 6 WITH OPHTHALMOPLEGIA; MYOPATHY WITH CONGENITAL JOINT CONTRACTURES, OPHTHALMOPLEGIA, AND RIMMED VACUOLES; INCLUSION BODY MYOPATHY 3, AUTOSOMAL DOMINANT. Identifiers: Orphanet 363677, Orphanet 79091, MedGen C1854106, MONDO:0011577, OMIM 605637.

Submission:

Labcorp Genetics (formerly Invitae), Labcorp
Classification: Uncertain significance for Myopathy, proximal, and ophthalmoplegia. Last evaluated: 2025-09-05. Review status: criteria provided, single submitter. Criteria: Invitae Variant Classification Sherloc (09022015). Collection method: clinical testing. Allele origin: germline.
Comment: This sequence change replaces alanine, which is neutral and non-polar, with threonine, which is neutral and polar, at codon 735 of the MYH2 protein (p.Ala735Thr). This variant is not present in population databases (gnomAD no frequency). This variant has not been reported in the literature in individuals affected with MYH2-related conditions. Invitae Evidence Modeling of protein sequence and biophysical properties (such as structural, functional, and spatial information, amino acid conservation, physicochemical variation, residue mobility, and thermodynamic stability) indicates that this missense variant is not expected to disrupt MYH2 protein function with a negative predictive value of 80%. In summary, the available evidence is currently insufficient to determine the role of this variant in disease. Therefore, it has been classified as a Variant of Uncertain Significance.